The following is an entry in ClinVar:

ClinVar aggregate classification (germline): Conflicting classifications of pathogenicity. Review status: criteria provided, conflicting classifications (1 of 4 stars). 2 submissions from 2 submitters: Uncertain significance (1); Likely benign (1). Last evaluated 2024-08-06.

Conditions:
Koolen-de Vries syndrome (KDVS). Identifiers: Orphanet 96169, MedGen C1864871, MONDO:0012496, OMIM 610443.

Allele frequency attached by ClinVar (database versions not stated): gnomAD exomes below 0.00001 and 0.00001; ExAC 0.00001; gnomAD 0.00001; TOPMed 0.00001.

Submissions (2):

Labcorp Genetics (formerly Invitae), Labcorp
Classification: Uncertain significance for Koolen-de Vries syndrome. Last evaluated: 2024-08-06. Review status: criteria provided, single submitter. Criteria: Invitae Variant Classification Sherloc (09022015). Collection method: clinical testing. Allele origin: germline.
Comment: This sequence change falls in intron 14 of the KANSL1 gene. It does not directly change the encoded amino acid sequence of the KANSL1 protein. This variant is present in population databases (rs760084513, gnomAD 0.002%). This variant has not been reported in the literature in individuals affected with KANSL1-related conditions. ClinVar contains an entry for this variant (Variation ID: 681522). Experimental studies and prediction algorithms are not available or were not evaluated, and the effect of this variant on mRNA splicing is currently unknown. In summary, the available evidence is currently insufficient to determine the role of this variant in disease. Therefore, it has been classified as a Variant of Uncertain Significance.

GeneDx
Classification: Likely benign. Last evaluated: 2018-04-06. Review status: criteria provided, single submitter. Criteria: GeneDx Variant Classification (06012015). Collection method: clinical testing. Allele origin: germline. Affected: yes.
Comment: This variant is considered likely benign or benign based on one or more of the following criteria: it is a conservative change, it occurs at a poorly conserved position in the protein, it is predicted to be benign by multiple in silico algorithms, and/or has population frequency not consistent with disease.

NM_015443.4(KANSL1):c.3091-5_3091-2dup

Gene: KANSL1 (KAT8 regulatory NSL complex subunit 1). Cytogenetic location: 17q21.31.
Variant type: Duplication.
Coding change: c.3091-5_3091-2dup on transcript NM_015443.4 (MANE Select); 5 bases into the intron before coding-DNA position 3091 through the canonical splice acceptor site of the intron before coding-DNA position 3091, this stretch duplicated.
Molecular consequence: splice acceptor variant.
Genome position: GRCh38 VCF-style: chr17-46031704-C-CTGTA. GRCh37 (hg19) VCF-style: chr17-44109070-C-CTGTA.
Other names: c.3088-5_3088-2dup (NM_001193465.2); c.3091-5_3091-2dup (NM_001379198.1, NM_001193466.2).
Identifiers: ClinVar variation 681522 (VCV000681522.3), dbSNP rs760084513, ClinGen allele CA8618367.
Genomic context (GRCh38, chr17:46,031,704, plus strand): 5'-ACACTCCGCCTGGGGACTGTGCGCCAGGGGGAAGGTCCGCCGCTCCCAGGGCTGGACAGA[C>CTGTA]TGTAGGCAGACAAGTTGCTCTTTGAGGACCCAGTCCCAGCCAGCCTGCTTCCTGCTCCAA-3'